The following is an entry in ClinVar:

ClinVar aggregate classification (germline): Uncertain significance (1 of 4 stars; one submission).

Conditions:
Deficiency of 3-hydroxyacyl-CoA dehydrogenase. Also called: 3-hydroxyacyl-CoA dehydrogenase deficiency; HADH DEFICIENCY. Identifiers: Orphanet 309127, Orphanet 71212, MedGen C1291230, MONDO:0017715, OMIM 231530.

Submission:

Labcorp Genetics (formerly Invitae), Labcorp
Classification: Uncertain significance for Deficiency of 3-hydroxyacyl-CoA dehydrogenase. Last evaluated: 2021-09-27. Review status: criteria provided, single submitter. Criteria: Invitae Variant Classification Sherloc (09022015). Collection method: clinical testing. Allele origin: germline.
Comment: In summary, the available evidence is currently insufficient to determine the role of this variant in disease. Therefore, it has been classified as a Variant of Uncertain Significance. Algorithms developed to predict the effect of missense changes on protein structure and function are either unavailable or do not agree on the potential impact of this missense change (SIFT: "Tolerated"; PolyPhen-2: "Probably Damaging"; Align-GVGD: "Class C0"). This variant has not been reported in the literature in individuals affected with HADH-related conditions. This variant is not present in population databases (ExAC no frequency). This sequence change replaces phenylalanine with serine at codon 3 of the HADH protein (p.Phe3Ser). The phenylalanine residue is highly conserved and there is a large physicochemical difference between phenylalanine and serine.

NM_005327.7(HADH):c.8T>C (p.Phe3Ser)

Gene: HADH (hydroxyacyl-CoA dehydrogenase; plus strand). Cytogenetic location: 4q25.
Variant type: single nucleotide variant.
Coding change: c.8T>C on transcript NM_005327.7 (MANE Select); coding-DNA position 8, T replaced by C.
Protein change: p.Phe3Ser; replaces phenylalanine 3 with serine.
Molecular consequence: missense variant.
Genome position (GRCh38, 1-based): chr4:107,989,940, T>C. VCF-style: chr4-107989940-T-C. GRCh37 (hg19) VCF-style: chr4-108911096-T-C.
Other names: c.8T>C, p.Phe3Ser (NM_001184705.4); short protein forms F3S.
Identifiers: ClinVar variation 1383603 (VCV001383603.6), dbSNP rs2126215379, ClinGen allele CA357828439.